The following is an entry in ClinVar:

ClinVar aggregate classification (germline): Uncertain significance. Review status: criteria provided, multiple submitters, no conflicts (2 of 4 stars). 4 submissions from 4 submitters: Uncertain significance (3). 1 of the submissions does not count toward it. Last evaluated 2026-10-01.

Conditions:
Hereditary cancer-predisposing syndrome. Also called: Hereditary Cancer Syndrome; Neoplastic Syndromes, Hereditary; Tumor predisposition; Hereditary neoplastic syndrome. Identifiers: Orphanet 140162, MedGen C0027672, MeSH D009386, MONDO:0015356.
Bloom syndrome (BLM). Also called: Bloom-Torre-Machacek syndrome. Identifiers: Orphanet 125, MedGen C0005859, MONDO:0008876, OMIM 210900.

Allele frequency attached by ClinVar (database versions not stated): gnomAD 0.00001; TOPMed 0.00001.
gnomAD v4.1: 19 of 1,614,014 alleles (0.0012%); highest among the groups gnomAD compares: Non-Finnish European, 0.0016%; no homozygotes.

Submissions (4):

St. Jude Molecular Pathology, St. Jude Children's Research Hospital
Classification: Uncertain significance for Bloom syndrome. Last evaluated: 2026-10-01. Review status: criteria provided, single submitter. Criteria: St. Jude Assertion Criteria 2020. Collection method: clinical testing. Allele origin: germline.
Comment: The BLM c.343C>T p.(Pro115Ser) missense change has a maximum subpopulation frequency of 0.0009% in gnomAD v2.1.1. The in silico tool REVEL predicts a benign effect on protein fu nction, but to our knowledge this prediction has not been confirmed by functional studies. To our knowledge, this variant has not been reported in individuals with Bloom syndrome. In summary, the evidence currently available is insufficient to determine the clinical significance of this variant. It has therefore been classified as of uncertain significance.

Labcorp Genetics (formerly Invitae), Labcorp
Classification: Uncertain significance for Bloom syndrome. Last evaluated: 2025-06-03. Review status: criteria provided, single submitter. Criteria: Invitae Variant Classification Sherloc (09022015). Collection method: clinical testing. Allele origin: germline.
Comment: This sequence change replaces proline, which is neutral and non-polar, with serine, which is neutral and polar, at codon 115 of the BLM protein (p.Pro115Ser). This variant is present in population databases (no rsID available, gnomAD 0.0009%). This variant has not been reported in the literature in individuals affected with BLM-related conditions. ClinVar contains an entry for this variant (Variation ID: 574237). An algorithm developed to predict the effect of missense changes on protein structure and function outputs the following: PolyPhen-2: "Benign". The serine amino acid residue is found in multiple mammalian species, which suggests that this missense change does not adversely affect protein function. In summary, the available evidence is currently insufficient to determine the role of this variant in disease. Therefore, it has been classified as a Variant of Uncertain Significance.

Ambry Genetics
Classification: Uncertain significance for Hereditary cancer-predisposing syndrome. Last evaluated: 2024-04-28. Review status: criteria provided, single submitter. Criteria: Ambry Variant Classification Scheme 2023. Collection method: clinical testing. Allele origin: germline.
Comment: The p.P115S variant (also known as c.343C>T), located in coding exon 2 of the BLM gene, results from a C to T substitution at nucleotide position 343. The proline at codon 115 is replaced by serine, an amino acid with similar properties. This amino acid position is not well conserved in available vertebrate species. In addition, this alteration is predicted to be tolerated by in silico analysis. Since supporting evidence is limited at this time, the clinical significance of this alteration remains unclear.

Natera, Inc.
Classification: Uncertain significance for Bloom syndrome. Last evaluated: 2020-10-21. Review status: no assertion criteria provided. Collection method: clinical testing. Allele origin: germline. Not counted in ClinVar's aggregate classification.

NM_000057.4(BLM):c.343C>T (p.Pro115Ser)

Gene: BLM (BLM RecQ like helicase; plus strand). Cytogenetic location: 15q26.1.
Variant type: single nucleotide variant.
Coding change: c.343C>T on transcript NM_000057.4 (MANE Select); coding-DNA position 343, C replaced by T.
Protein change: p.Pro115Ser; replaces proline 115 with serine.
Molecular consequence: missense variant. On other transcripts: 5 prime UTR variant (1).
Genome position (GRCh38, 1-based): chr15:90,749,611, C>T. VCF-style: chr15-90749611-C-T. GRCh37 (hg19) VCF-style: chr15-91292841-C-T.
Other names: c.343C>T, p.Pro115Ser (NM_001287246.2, NM_001287247.2); c.-949C>T (NM_001287248.2); short protein forms P115S.
Identifiers: ClinVar variation 574237 (VCV000574237.17), dbSNP rs1173491187, ClinGen allele CA393840350.